The following continues an entry in ClinVar:

NM_000038.6(APC):c.4393_4394del (p.Ser1465fs)

Gene: APC. ClinVar aggregate classification (germline): Pathogenic. Pathogenic (1). ClinVar aggregate classification (oncogenicity): Oncogenic.

Submissions 10 to 18 of 18:

Institute for Genomic Medicine (IGM) Clinical Laboratory, Nationwide Children's Hospital
Classification: Pathogenic for Familial adenomatous polyposis 1. Last evaluated: 2023-02-02. Review status: criteria provided, single submitter. Criteria: ACMG Guidelines, 2015. Collection method: clinical testing. Allele origin: germline. Not counted in ClinVar's aggregate classification.
Comment: This variant is predicted to result in loss of function through nonsense-mediated decay of the encoded transcript or premature truncation of the encoded protein in a gene in which loss of function is a known mechanism of disease (ACMG/AMP: PVS1; PMIDs:1316610, 8730280, 10768871, 16134147). This variant has been reported at an elevated frequency in affected individuals/in multiple affected individuals in the literature (ACMG/AMP: PS4; PMIDs:1316610, 8730280, 10768871, 11553046, 16134147, 20223039, 23561487, 26840078, 28018803, 29367705, 29998021). This variant is absent from or present at an exceedingly low frequency in gnomAD, a large-scale control population database (ACMG/AMP: PM2).

GeneDx
Classification: Pathogenic. Last evaluated: 2022-03-08. Review status: criteria provided, single submitter. Criteria: GeneDx Variant Classification Process June 2021. Collection method: clinical testing. Allele origin: germline. Affected: yes. Not counted in ClinVar's aggregate classification.
Comment: Frameshift variant predicted to result in protein truncation in a gene for which loss-of-function is a known mechanism of disease; Not observed at significant frequency in large population cohorts (gnomAD); This variant is associated with the following publications: (PMID: 8281160, 11553046, 8162051, 28222664, 20924072, 12010888, 29367705, 15040027, 17653897, 8187091, 12378616, 24416237, 26840078, 8990002, 19509103, 24005794, 23159591, 27087319, 20434453, 15108288, 28018803, 9824584, 26681312, 29998021, 28782241, 33082750, 34199654, 32198650, 31547110, 31754633, 1316610, 10768871, 16134147, 8730280, 20223039)

Institute of Medical Genetics and Applied Genomics, University Hospital Tübingen
Classification: Pathogenic. Last evaluated: 2021-06-17. Review status: criteria provided, single submitter. Criteria: ACMG Guidelines, 2015. Collection method: clinical testing. Allele origin: germline. Inheritance: Autosomal dominant inheritance. Affected: yes. Not counted in ClinVar's aggregate classification.

Quest Diagnostics Nichols Institute San Juan Capistrano
Classification: Pathogenic. Last evaluated: 2019-02-26. Review status: criteria provided, single submitter. Criteria: Quest Diagnostics criteria. Collection method: clinical testing. Allele origin: germline. Not counted in ClinVar's aggregate classification.
Comment: The variant results in a shift of the reading frame, and is therefore predicted to significantly disrupt the protein structure. Found in at least one symptomatic patient, and not found in general population data.

University of Washington Department of Laboratory Medicine, University of Washington
Classification: Pathogenic for Colorectal cancer, susceptibility to. Last evaluated: 2015-11-20. Review status: criteria provided, single submitter. Criteria: Shirts et al. (Genet Med 2016). Collection method: clinical testing. Allele origin: germline. Affected: yes. Observed: 1 variant allele. Not counted in ClinVar's aggregate classification.

OMIM
Classification: Pathogenic for GARDNER SYNDROME. Last evaluated: 2001-08-01. Review status: no assertion criteria provided. Collection method: literature only. Allele origin: unknown. Not counted in ClinVar's aggregate classification.

OMIM
Classification: Pathogenic for ADENOMA, PERIAMPULLARY, SOMATIC. Last evaluated: 2001-08-01. Review status: no assertion criteria provided. Collection method: literature only. Allele origin: somatic. Not counted in ClinVar's aggregate classification.

Department of Pathology and Laboratory Medicine, Sinai Health System
Classification: Pathogenic for Carcinoma of colon. Review status: no assertion criteria provided. Collection method: clinical testing. Allele origin: unknown. Affected: yes. Study: The Canadian Open Genetics Repository (COGR). Not counted in ClinVar's aggregate classification.
Comment: The p.Ser1465TrpfsX3 variant has been reported in the literature in 11/1576 probands with FAP or AFAP and extracolonic features (Enomoto_2000_10768871, Friedl_2005_20223039). The p.Ser1465TrpfsX3 variant is predicted to cause a frameshift, which alters the protein's amino acid sequence beginning at codon 1465 and leads to a premature stop codon 3 codons downstream. This alteration is then predicted to lead to a truncated or absent protein and loss of function. Loss of function variants are an established mechanism of disease for the APC gene. In summary, based on the above information, this variant meets our criteria for pathogenicity.

Genomic Medicine Center of Excellence, King Faisal Specialist Hospital and Research Centre
Classification: Uncertain significance for Familial adenomatous polyposis 1. Last evaluated: 2024-03-29. Review status: flagged submission. Criteria: ACMG Guidelines, 2015. Collection method: clinical testing. Allele origin: germline. Not counted in ClinVar's aggregate classification.
ClinVar note: Reason: Outlier claim with insufficient supporting evidence

Literature cited by the submitters: PubMed 34352208 (cited by Center for Genomic Medicine, Rigshospitalet, Copenhagen University Hospital); PubMed 10768871 (cited by 4 submitters); PubMed 11553046 (cited by 4 submitters); PubMed 1316610 (cited by 5 submitters); PubMed 20223039 (cited by Mayo Clinic Laboratories, Mayo Clinic and Institute for Genomic Medicine (IGM) Clinical Laboratory, Nationwide Children's Hospital); PubMed 20685668 (cited by Mayo Clinic Laboratories, Mayo Clinic and Labcorp Genetics (formerly Invitae), Labcorp); PubMed 28018803 (cited by 5 submitters); PubMed 28782241 (cited by 3 submitters); PubMed 29998021 (cited by 4 submitters); PubMed 34454113 (cited by Mayo Clinic Laboratories, Mayo Clinic); PubMed 35534704 (cited by Mayo Clinic Laboratories, Mayo Clinic and Women's Health and Genetics/Laboratory Corporation of America, LabCorp); PubMed 26840078 (cited by Labcorp Genetics (formerly Invitae), Labcorp and Institute for Genomic Medicine (IGM) Clinical Laboratory, Nationwide Children's Hospital); PubMed 15311282 (cited by Labcorp Genetics (formerly Invitae), Labcorp); PubMed 17293347 (cited by Labcorp Genetics (formerly Invitae), Labcorp); PubMed 9824584 (cited by Labcorp Genetics (formerly Invitae), Labcorp); PubMed 27081525 (cited by Labcorp Genetics (formerly Invitae), Labcorp); PubMed 8381579 (cited by Labcorp Genetics (formerly Invitae), Labcorp); PubMed 22135120 (cited by Labcorp Genetics (formerly Invitae), Labcorp); PubMed 23561487 (cited by Ambry Genetics and Institute for Genomic Medicine (IGM) Clinical Laboratory, Nationwide Children's Hospital); PubMed 29367705 (cited by Ambry Genetics and Institute for Genomic Medicine (IGM) Clinical Laboratory, Nationwide Children's Hospital); PubMed 8730280 (cited by Institute for Genomic Medicine (IGM) Clinical Laboratory, Nationwide Children's Hospital); PubMed 16134147 (cited by Institute for Genomic Medicine (IGM) Clinical Laboratory, Nationwide Children's Hospital and Quest Diagnostics Nichols Institute San Juan Capistrano); PubMed 24005794 (cited by Quest Diagnostics Nichols Institute San Juan Capistrano); PubMed 8281160 (cited by OMIM).